The following is an entry in ClinVar:

ClinVar aggregate classification (germline): Uncertain significance (1 of 4 stars; one submission).

Conditions:
Epidermolysis bullosa simplex 5B, with muscular dystrophy (EBS5B). Also called: EPIDERMOLYSIS BULLOSA SIMPLEX AND LIMB-GIRDLE MUSCULAR DYSTROPHY; Epidermolysis bullosa simplex with muscular dystrophy. Identifiers: Orphanet 257, MedGen C2931072, MONDO:0009181, OMIM 226670.
Epidermolysis bullosa simplex, Ogna type (EBS5A). Also called: Pidermolysis bullosa simplex 5A, Ogna type; EPIDERMOLYSIS BULLOSA SIMPLEX 5A, OGNA TYPE. Identifiers: Orphanet 79401, MedGen C0432317, MONDO:0007555, OMIM 131950.
Epidermolysis bullosa simplex with nail dystrophy (EBS5D). Identifiers: MedGen C4225309, MONDO:0014661, OMIM 616487.
Epidermolysis bullosa simplex 5C, with pyloric atresia (EBS5C). Also called: PLEC1-Related Epidermolysis Bullosa with Pyloric Atresia; Epidermolysis bullosa simplex with pyloric atresia; PLEC-Related Epidermolysis Bullosa with Pyloric Atresia. Identifiers: Orphanet 158684, MedGen C2677349, MONDO:0012807, OMIM 612138.
Autosomal recessive limb-girdle muscular dystrophy type 2Q (LGMDR17). Also called: MUSCULAR DYSTROPHY, LIMB-GIRDLE, AUTOSOMAL RECESSIVE 17. Identifiers: Orphanet 254361, MedGen C3150989, MONDO:0013390, OMIM 613723.

Submission:

Labcorp Genetics (formerly Invitae), Labcorp
Classification: Uncertain significance for Autosomal recessive limb-girdle muscular dystrophy type 2Q; Epidermolysis bullosa simplex, Ogna type; Epidermolysis bullosa simplex with nail dystrophy; Epidermolysis bullosa simplex 5C, with pyloric atresia; Epidermolysis bullosa simplex 5B, with muscular dystrophy. Last evaluated: 2025-10-29. Review status: criteria provided, single submitter. Criteria: Invitae Variant Classification Sherloc (09022015). Collection method: clinical testing. Allele origin: germline.
Comment: This sequence change replaces serine, which is neutral and polar, with leucine, which is neutral and non-polar, at codon 4298 of the PLEC protein (p.Ser4298Leu). Information on the frequency of this variant in the gnomAD database is not available, as this variant may be reported differently in the database. This variant has not been reported in the literature in individuals affected with PLEC-related conditions. ClinVar contains an entry for this variant (Variation ID: 1421647). An algorithm developed to predict the effect of missense changes on protein structure and function (PolyPhen-2) suggests that this variant is likely to be disruptive. In summary, the available evidence is currently insufficient to determine the role of this variant in disease. Therefore, it has been classified as a Variant of Uncertain Significance.

NM_201384.3(PLEC):c.12812_12813inv (p.Ser4271Leu)

Gene: PLEC (plectin; minus strand). Cytogenetic location: 8q24.3.
Variant type: Inversion.
Coding change: c.12812_12813inv on transcript NM_201384.3 (MANE Select).
Protein change: p.Ser4271Leu; replaces serine 4271 with leucine.
Molecular consequence: missense variant.
Genome position: GRCh38 VCF-style: chr8-143917008-TG-CA. GRCh37 (hg19) VCF-style: chr8-144991176-TG-CA.
Other names: c.12893_12894inv, p.Ser4298Leu (NM_000445.5); c.12770_12771inv, p.Ser4257Leu (NM_201378.4); c.12746_12747inv, p.Ser4249Leu (NM_201379.3); c.13223_13224inv, p.Ser4408Leu (NM_201380.4); c.12716_12717inv, p.Ser4239Leu (NM_201381.3); c.12812_12813inv, p.Ser4271Leu (NM_201382.4); c.12824_12825inv, p.Ser4275Leu (NM_201383.3); short protein forms S4298L, S4239L, S4249L, S4257L, S4275L, S4271L, S4408L.
Identifiers: ClinVar variation 1421647 (VCV001421647.6), ClinGen allele CA2573142980.